The following is an entry in ClinVar:

NM_001378454.1(ALMS1):c.1721C>T (p.Ser574Phe)

Gene: ALMS1 (ALMS1 centrosome and basal body associated protein; plus strand). Cytogenetic location: 2p13.1.
Variant type: single nucleotide variant.
Coding change: c.1721C>T on transcript NM_001378454.1 (MANE Select); coding-DNA position 1721, C replaced by T.
Protein change: p.Ser574Phe; replaces serine 574 with phenylalanine.
Molecular consequence: missense variant.
Genome position (GRCh38, 1-based): chr2:73,448,248, C>T. VCF-style: chr2-73448248-C-T. GRCh37 (hg19) VCF-style: chr2-73675375-C-T.
Other names: c.1724C>T, p.Ser575Phe (NM_015120.4); short protein forms S574F, S575F.
Identifiers: ClinVar variation 2068303 (VCV002068303.2), dbSNP rs750591887, ClinGen allele CA347265231.

ClinVar aggregate classification (germline): Conflicting classifications of pathogenicity. Review status: criteria provided, conflicting classifications (1 of 4 stars). 2 submissions from 2 submitters: Uncertain significance (1); Benign (1). Last evaluated 2024-06-20.

Conditions:
Cardiovascular phenotype. Identifiers: MedGen CN230736.
Alstrom syndrome (ALMS). Identifiers: Orphanet 64, MedGen C0268425, MONDO:0008763, OMIM 203800.

Allele frequency attached by ClinVar (database versions not stated): TOPMed 0.00023; gnomAD 0.00032.
gnomAD v4.1: 64 of 1,613,924 alleles (0.004%); highest among the groups gnomAD compares: Admixed American, 0.11%; 1 homozygote.

Submissions (2):

Ambry Genetics
Classification: Benign for Cardiovascular phenotype. Last evaluated: 2024-06-20. Review status: criteria provided, single submitter. Criteria: Ambry Variant Classification Scheme 2023. Collection method: clinical testing. Allele origin: germline.

Labcorp Genetics (formerly Invitae), Labcorp
Classification: Uncertain significance for Alstrom syndrome. Last evaluated: 2021-12-28. Review status: criteria provided, single submitter. Criteria: Invitae Variant Classification Sherloc (09022015). Collection method: clinical testing. Allele origin: germline.
Comment: This sequence change replaces serine, which is neutral and polar, with phenylalanine, which is neutral and non-polar, at codon 575 of the ALMS1 protein (p.Ser575Phe). This variant is present in population databases (no rsID available, gnomAD 0.06%), including at least one homozygous and/or hemizygous individual. This variant has not been reported in the literature in individuals affected with ALMS1-related conditions. Experimental studies and prediction algorithms are not available or were not evaluated, and the functional significance of this variant is currently unknown. In summary, the available evidence is currently insufficient to determine the role of this variant in disease. Therefore, it has been classified as a Variant of Uncertain Significance.